The following is an entry in ClinVar:

NM_014846.4(WASHC5):c.542C>A (p.Ser181Ter)

Gene: WASHC5 (WASH complex subunit 5; minus strand). Cytogenetic location: 8q24.13.
Variant type: single nucleotide variant.
Coding change: c.542C>A on transcript NM_014846.4 (MANE Select); coding-DNA position 542, C replaced by A.
Protein change: p.Ser181Ter; replaces serine 181 with a stop codon.
Molecular consequence: nonsense.
Genome position (GRCh38, 1-based): chr8:125,078,907, G>T on the plus strand (C>A on the coding strand, the complement: WASHC5 is on the minus strand). VCF-style: chr8-125078907-G-T. GRCh37 (hg19) VCF-style: chr8-126091149-G-T.
Other names: c.98C>A, p.Ser33Ter (NM_001330609.2); short protein forms S33*, S181*.
Identifiers: ClinVar variation 5000460 (VCV005000460.1).

ClinVar aggregate classification (germline): Likely pathogenic (1 of 4 stars; one submission).

Conditions:
WASHC5-related disorder. Also called: WASHC5-related condition.

Submission:

PreventionGenetics, part of Exact Sciences
Classification: Likely pathogenic for WASHC5-related condition. Last evaluated: 2025-06-20. Review status: criteria provided, single submitter. Criteria: ACMG Guidelines, 2015. Collection method: clinical testing. Allele origin: germline.
Comment: The WASHC5 c.542C>A variant is predicted to result in premature protein termination (p.Ser181*). To our knowledge, this variant has not been reported in the literature or in a large population database (gnomAD), indicating this variant is rare. Nonsense variants in WASHC5 are expected to be pathogenic. This variant is interpreted as likely pathogenic.